The following is an entry in ClinVar:

ClinVar aggregate classification (germline): Uncertain significance (1 of 4 stars; one submission).

Conditions:
Hereditary cancer-predisposing syndrome. Also called: Neoplastic Syndromes, Hereditary; Tumor predisposition; Hereditary neoplastic syndrome; Hereditary Cancer Syndrome. Identifiers: Orphanet 140162, MedGen C0027672, MeSH D009386, MONDO:0015356.
Cardiovascular phenotype. Identifiers: MedGen CN230736.

Submission:

Ambry Genetics
Classification: Uncertain significance for Cardiovascular phenotype; Hereditary cancer-predisposing syndrome. Last evaluated: 2025-10-17. Review status: criteria provided, single submitter. Criteria: Ambry Variant Classification Scheme 2023. Collection method: clinical testing. Allele origin: germline.
Comment: The p.L2717F variant (also known as c.8151G>C), located in coding exon 56 of the NF1 gene, results from a G to C substitution at nucleotide position 8151. The leucine at codon 2717 is replaced by phenylalanine, an amino acid with highly similar properties. This amino acid position is highly conserved in available vertebrate species. In addition, the in silico prediction for this alteration is inconclusive. Based on the available evidence, the clinical significance of this variant remains unclear.

NM_001042492.3(NF1):c.8214G>C (p.Leu2738Phe)

Gene: NF1 (neurofibromin 1; plus strand). Cytogenetic location: 17q11.2.
Variant type: single nucleotide variant.
Coding change: c.8214G>C on transcript NM_001042492.3 (MANE Select); coding-DNA position 8214, G replaced by C.
Protein change: p.Leu2738Phe; replaces leucine 2738 with phenylalanine.
Molecular consequence: missense variant.
Genome position (GRCh38, 1-based): chr17:31,360,540, G>C. VCF-style: chr17-31360540-G-C. GRCh37 (hg19) VCF-style: chr17-29687558-G-C.
Other names: c.8151G>C, p.Leu2717Phe (NM_000267.4); short protein forms L2717F, L2738F.
Identifiers: ClinVar variation 827483 (VCV000827483.5), dbSNP rs786201597, ClinGen allele CA399204548.